The following is an entry in ClinVar:

ClinVar aggregate classification (germline): Benign. Review status: criteria provided, multiple submitters, no conflicts (2 of 4 stars). 5 submissions from 5 submitters: Benign (5). Last evaluated 2026-02-03.

Allele frequency attached by ClinVar (database versions not stated): TOPMed 0.19177; gnomAD exomes 0.17375 and 0.19022; gnomAD 0.18436 and 0.18364; ESP Exome Variant Server 0.19322; 1000 Genomes Project 30x 0.17473; 1000 Genomes Project 0.17153; ExAC 0.18289.
gnomAD v4.1: 302,271 of 1,595,220 alleles (19%); highest among the groups gnomAD compares: Middle Eastern, 22%; 30,055 homozygotes.

Submissions (5):

Labcorp Genetics (formerly Invitae), Labcorp
Classification: Benign. Last evaluated: 2026-02-03. Review status: criteria provided, single submitter. Criteria: Invitae Variant Classification Sherloc (09022015). Collection method: clinical testing. Allele origin: germline.

Mayo Clinic Laboratories, Mayo Clinic
Classification: Benign. Last evaluated: 2020-10-20. Review status: criteria provided, single submitter. Criteria: ACMG Guidelines, 2015. Collection method: clinical testing. Allele origin: germline. Observed: 66 variant alleles.

GeneDx
Classification: Benign. Last evaluated: 2017-05-09. Review status: criteria provided, single submitter. Criteria: GeneDx Variant Classification (06012015). Collection method: clinical testing. Allele origin: germline. Affected: yes.
Comment: This variant is considered likely benign or benign based on one or more of the following criteria: it is a conservative change, it occurs at a poorly conserved position in the protein, it is predicted to be benign by multiple in silico algorithms, and/or has population frequency not consistent with disease.

Laboratory for Molecular Medicine, Mass General Brigham Personalized Medicine
Classification: Benign. Last evaluated: 2014-11-24. Review status: criteria provided, single submitter. Criteria: LMM Criteria. Collection method: clinical testing. Allele origin: germline. Observed: 348 variant alleles.
Comment: Arg1986Gln in exon 48 of OTOGL: This variant is not expected to have clinical si gnificance because it has been identified in 19.7% (1690/8600) of European Ameri can chromosomes from a broad population by the NHLBI Exome Sequencing Project (dbSNP rs11836060).

Breakthrough Genomics
Classification: Benign. Review status: criteria provided, single submitter. Criteria: ACMG Guidelines, 2015. Collection method: not provided. Allele origin: germline. Inheritance: Autosomal recessive inheritance. Affected: yes.

NM_001378609.3(OTOGL):c.5984G>A (p.Arg1995Gln)

Gene: OTOGL (otogelin like; plus strand). Cytogenetic location: 12q21.31.
Variant type: single nucleotide variant.
Coding change: c.5984G>A on transcript NM_001378609.3 (MANE Select); coding-DNA position 5984, G replaced by A.
Protein change: p.Arg1995Gln; replaces arginine 1995 with glutamine.
Molecular consequence: missense variant.
Genome position (GRCh38, 1-based): chr12:80,356,879, G>A. VCF-style: chr12-80356879-G-A. GRCh37 (hg19) VCF-style: chr12-80750659-G-A.
Other names: c.5849G>A, p.Arg1950Gln (NM_001368062.3); c.5984G>A, p.Arg1995Gln (NM_001378610.3, NM_173591.7); short protein forms R1986Q, R1950Q, R1995Q.
Identifiers: ClinVar variation 226962 (VCV000226962.15), dbSNP rs11836060, ClinGen allele CA6701875.